The following is an entry in ClinVar:

ClinVar aggregate classification (germline): Uncertain significance (1 of 4 stars; one submission).

Conditions:
Cardiovascular phenotype. Identifiers: MedGen CN230736.

Allele frequency attached by ClinVar (database versions not stated): ExAC 0.00001; gnomAD exomes 0.00001.
gnomAD v4.1: 7 of 1,614,172 alleles (0.00043%); highest among the groups gnomAD compares: Non-Finnish European, 0.00051%; no homozygotes.

Submission:

Ambry Genetics
Classification: Uncertain significance for Cardiovascular phenotype. Last evaluated: 2022-12-17. Review status: criteria provided, single submitter. Criteria: Ambry Variant Classification Scheme 2023. Collection method: clinical testing. Allele origin: germline.
Comment: The p.E1091K variant (also known as c.3271G>A), located in coding exon 15 of the DSG2 gene, results from a G to A substitution at nucleotide position 3271. The glutamic acid at codon 1091 is replaced by lysine, an amino acid with similar properties. This amino acid position is conserved. In addition, this alteration is predicted to be tolerated by in silico analysis. Since supporting evidence is limited at this time, the clinical significance of this alteration remains unclear.

NM_001943.5(DSG2):c.3271G>A (p.Glu1091Lys)

Genes: DSG2 (desmoglein 2; plus strand), DSG2-AS1 (DSG2 antisense RNA 1; minus strand). Cytogenetic location: 18q12.1.
Variant type: single nucleotide variant.
Coding change: c.3271G>A on transcript NM_001943.5 (MANE Select); coding-DNA position 3271, G replaced by A.
Protein change: p.Glu1091Lys; replaces glutamic acid 1091 with lysine.
Molecular consequence: missense variant.
Genome position (GRCh38, 1-based): chr18:31,546,657, G>A. VCF-style: chr18-31546657-G-A. GRCh37 (hg19) VCF-style: chr18-29126620-G-A.
Other names: short protein forms E1091K.
Identifiers: ClinVar variation 3221944 (VCV003221944.1), dbSNP rs752957511, ClinGen allele CA048229.